The following is an entry in ClinVar:

ClinVar aggregate classification (germline): Benign (1 of 4 stars; one submission).

Conditions:
Geleophysic dysplasia 1 (GPHYSD1). Also called: Geleophysic dwarfism. Identifiers: Orphanet 2623, MedGen C3278147, MONDO:0009269, OMIM 231050.

Allele frequency attached by ClinVar (database versions not stated): gnomAD 0.01162 and 0.01241; 1000 Genomes Project 0.01198; TOPMed 0.01375; 1000 Genomes Project 30x 0.01671; gnomAD exomes 0.00140.
gnomAD v4.1: 2,328 of 540,508 alleles (0.43%); highest among the groups gnomAD compares: African/African-American, 4%; 40 homozygotes.

Submission:

Illumina Laboratory Services, Illumina
Classification: Benign for Geleophysic dysplasia 1. Last evaluated: 2018-01-13. Review status: criteria provided, single submitter. Criteria: ICSL Variant Classification Criteria 13 December 2019. Collection method: clinical testing. Allele origin: germline.
Comment: This variant was observed in the ICSL laboratory as part of a predisposition screen in an ostensibly healthy population. It had not been previously curated by ICSL or reported in the Human Gene Mutation Database (HGMD: prior to June 1st, 2018), and was therefore a candidate for classification through an automated scoring system. Utilizing variant allele frequency, disease prevalence and penetrance estimates, and inheritance mode, an automated score was calculated to assess if this variant is too frequent to cause the disease. Based on the score and internal cut-off values, a variant classified as benign is not then subjected to further curation. The score for this variant resulted in a classification of benign for this disease.

NM_014694.4(ADAMTSL2):c.*252C>T

Gene: ADAMTSL2 (ADAMTS like 2; plus strand). Cytogenetic location: 9q34.2.
Variant type: single nucleotide variant.
Coding change: c.*252C>T on transcript NM_014694.4 (MANE Select); 252 bases downstream of the stop codon, C replaced by T.
Molecular consequence: 3 prime UTR variant.
Genome position (GRCh38, 1-based): chr9:133,575,116, C>T. VCF-style: chr9-133575116-C-T. GRCh37 (hg19) VCF-style: chr9-136440238-C-T.
Other names: c.*252C>T (NM_001145320.2).
Identifiers: ClinVar variation 365617 (VCV000365617.5), dbSNP rs112953345, ClinGen allele CA10632801.